The following is an entry in ClinVar:

NM_001062.4(TCN1):c.1000A>G (p.Ile334Val)

Gene: TCN1 (transcobalamin 1; minus strand). Cytogenetic location: 11q12.1.
Variant type: single nucleotide variant.
Coding change: c.1000A>G on transcript NM_001062.4 (MANE Select); coding-DNA position 1000, A replaced by G.
Protein change: p.Ile334Val; replaces isoleucine 334 with valine.
Molecular consequence: missense variant.
Genome position (GRCh38, 1-based): chr11:59,854,773, T>C on the plus strand (A>G on the coding strand, the complement: TCN1 is on the minus strand). VCF-style: chr11-59854773-T-C. GRCh37 (hg19) VCF-style: chr11-59622246-T-C.
Other names: p.Ile334Val; short protein forms I334V.
Identifiers: ClinVar variation 779598 (VCV000779598.14), dbSNP rs142805308, ClinGen allele CA6021836.
Genomic context (GRCh38, chr11:59,854,773, plus strand): 5'-TTAGCACAGTGACATTGGTGAAATATGTTTCATTGATTCTCACAGAGTAATTGACGGAGA[T>C]ATATGATTGTGAGTCAGGAGGTGTCACAGTTATAGGCTCATCAGCGGAGATGTTGAAGTT-3'
Protein context (NP_001053.2, residues 324-344): TVTPPDSQSY[Ile334Val]SVNYSVRINE

ClinVar aggregate classification (germline): Conflicting classifications of pathogenicity. Review status: criteria provided, conflicting classifications (1 of 4 stars). 4 submissions from 4 submitters: Uncertain significance (1); Likely benign (3). Last evaluated 2026-01-15.

Conditions:
TCN1-related disorder. Also called: TCN1-related condition.
Transcobalamin I deficiency (TCN1D). Also called: TCN1 DEFICIENCY; COBALAMIN PSEUDODEFICIENCY DUE TO TRANSCOBALAMIN DEFICIENCY; COBALAMIN R BINDER PROTEIN DEFICIENCY. Identifiers: Orphanet 2967, MedGen C0342700, MONDO:0008659, OMIM 193090.

Allele frequency attached by ClinVar (database versions not stated): 1000 Genomes Project 30x 0.00125; 1000 Genomes Project 0.00140; TOPMed 0.00231; gnomAD 0.00265 and 0.00272; gnomAD exomes 0.00295 and 0.00341; ESP Exome Variant Server 0.00323; ExAC 0.00326.
gnomAD v4.1: 5,360 of 1,614,032 alleles (0.33%); highest among the groups gnomAD compares: Non-Finnish European, 0.38%; 21 homozygotes.

Submissions (4):

Labcorp Genetics (formerly Invitae), Labcorp
Classification: Likely benign for Transcobalamin I deficiency. Last evaluated: 2026-01-15. Review status: criteria provided, single submitter. Criteria: Invitae Variant Classification Sherloc (09022015). Collection method: clinical testing. Allele origin: germline.

PreventionGenetics, part of Exact Sciences
Classification: Likely benign for TCN1-related condition. Last evaluated: 2025-05-09. Review status: criteria provided, single submitter. Criteria: ACMG Guidelines, 2015. Collection method: clinical testing. Allele origin: germline.
Comment: This variant is classified as likely benign based on ACMG/AMP sequence variant interpretation guidelines (Richards et al. 2015 PMID: 25741868, with internal and published modifications).

Blueprint Genetics
Classification: Likely benign. Last evaluated: 2024-11-22. Review status: criteria provided, single submitter. Criteria: ACMG Guidelines, 2015. Collection method: clinical testing. Allele origin: germline.

Mayo Clinic Laboratories, Mayo Clinic
Classification: Uncertain significance. Last evaluated: 2024-09-24. Review status: criteria provided, single submitter. Criteria: ACMG Guidelines, 2015. Collection method: clinical testing. Allele origin: germline. Observed: 1 variant allele.
Comment: BP4